The following is an entry in ClinVar:

NM_001005242.3(PKP2):c.1170+1G>A

Gene: PKP2 (plakophilin 2; minus strand). Cytogenetic location: 12p11.21.
Variant type: single nucleotide variant.
Coding change: c.1170+1G>A on transcript NM_001005242.3 (MANE Select); the canonical splice donor site of the intron after coding-DNA position 1170, G replaced by A.
Molecular consequence: splice donor variant.
Genome position (GRCh38, 1-based): chr12:32,868,926, C>T on the plus strand (G>A on the coding strand, the complement: PKP2 is on the minus strand). VCF-style: chr12-32868926-C-T. GRCh37 (hg19) VCF-style: chr12-33021860-C-T.
Other names: c.1170+1G>A (NM_001407156.1, NM_001407155.1, NM_004572.4 and 2 more transcripts); c.843+1G>A (NM_001407160.1, NM_001407159.1, NM_001407158.1 and 1 more transcripts).
Identifiers: ClinVar variation 188657 (VCV000188657.13), dbSNP rs786204392, ClinGen allele CA010833.

ClinVar aggregate classification (germline): Pathogenic/Likely pathogenic. Review status: criteria provided, multiple submitters, no conflicts (2 of 4 stars). 5 submissions from 5 submitters: Pathogenic (4); Likely pathogenic (1). Last evaluated 2025-05-07.

Conditions:
Cardiovascular phenotype. Identifiers: MedGen CN230736.
PKP2-related disorder. Also called: PKP2-related condition.
Cardiomyopathy (CMYO). Also called: Cardiomyopathies. Identifiers: Orphanet 167848, MedGen C0878544, MONDO:0004994, HP:0001638. Inheritance: Various modes of inheritance.
Arrhythmogenic right ventricular dysplasia 9 (ARVD9). Also called: ARRHYTHMOGENIC RIGHT VENTRICULAR DYSPLASIA, FAMILIAL, 9; Arrhythmogenic Right Ventricular Dysplasia/Cardiomyopathy 9. Identifiers: MedGen C1836906, MONDO:0012180, OMIM 609040.

gnomAD v4.1: 2 of 1,612,592 alleles (0.00012%); highest among the groups gnomAD compares: Non-Finnish European, 0.00017%; no homozygotes.

Submissions (5):

Ambry Genetics
Classification: Pathogenic for Cardiovascular phenotype. Last evaluated: 2025-05-07. Review status: criteria provided, single submitter. Criteria: Ambry Variant Classification Scheme 2023. Collection method: clinical testing. Allele origin: germline.
Comment: The c.1170+1G>A intronic pathogenic mutation results from a G to A substitution one nucleotide after coding exon 4 of the PKP2 gene. This variant was identified in a patient with a clinical diagnosis of arrhythmogenic right ventricular cardiomyopathy (ARVC) as well as in an ARVC cohort (Hermida A et al. Eur J Heart Fail, 2019 06;21:792-800; Costa S et al. Circ Genom Precis Med, 2021 02;14:e003047). This variant is considered to be rare based on population cohorts in the Genome Aggregation Database (gnomAD). This nucleotide position is highly conserved in available vertebrate species. In silico splice site analysis predicts that this alteration will weaken the native splice donor site. In addition to the clinical data presented in the literature, alterations that disrupt the canonical splice site are expected to cause aberrant splicing, resulting in an abnormal protein or a transcript that is subject to nonsense-mediated mRNA decay. As such, this alteration is classified as a disease-causing mutation.

GeneDx
Classification: Pathogenic. Last evaluated: 2025-04-10. Review status: criteria provided, single submitter. Criteria: GeneDx Variant Classification Process June 2021. Collection method: clinical testing. Allele origin: germline. Affected: yes.
Comment: Identified in patients with arrhythmogenic cardiomyopathy in published literature (PMID: 20400443, 30790397, 33232181, 30830208); Not observed at significant frequency in large population cohorts (gnomAD); Canonical splice site variant predicted to result in a null allele in a gene for which loss of function is a known mechanism of disease; This variant is associated with the following publications: (PMID: 20400443, 30790397, 31402444, 35130036, 37728764, 28431057, Gerhardt[Poster], 26887364, 33232181, 30830208, 35910219)

CHEO Genetics Diagnostic Laboratory, Children's Hospital of Eastern Ontario
Classification: Likely pathogenic for Cardiomyopathy. Last evaluated: 2021-03-05. Review status: criteria provided, single submitter. Criteria: ACMG Guidelines, 2015. Collection method: clinical testing. Allele origin: germline.

Labcorp Genetics (formerly Invitae), Labcorp
Classification: Pathogenic for Arrhythmogenic right ventricular dysplasia 9. Last evaluated: 2020-04-15. Review status: criteria provided, single submitter. Criteria: Invitae Variant Classification Sherloc (09022015). Collection method: clinical testing. Allele origin: germline.
Comment: For these reasons, this variant has been classified as Pathogenic. Donor and acceptor splice site variants typically lead to a loss of protein function (PMID: 16199547), and loss-of-function variants in PKP2 are known to be pathogenic (PMID: 15489853, 23911551). Algorithms developed to predict the effect of sequence changes on RNA splicing suggest that this variant may disrupt the consensus splice site, but this prediction has not been confirmed by published transcriptional studies. This variant has been observed in individual(s) with arrhythmogenic right ventricular cardiomyopathy (PMID: 20400443, 26887364). ClinVar contains an entry for this variant (Variation ID: 188657). This variant is not present in population databases (ExAC no frequency). This sequence change affects a donor splice site in intron 4 of the PKP2 gene. It is expected to disrupt RNA splicing and likely results in an absent or disrupted protein product.

Blueprint Genetics
Classification: Pathogenic for PKP2-related disorders. Last evaluated: 2020-04-06. Review status: criteria provided, single submitter. Criteria: ACMG Guidelines, 2015. Collection method: clinical testing. Allele origin: germline. Affected: yes. Observed: 1 variant allele.

Literature cited by the submitters: PubMed 30790397 (cited by Ambry Genetics); PubMed 30830208 (cited by Ambry Genetics); PubMed 33232181 (cited by Ambry Genetics); PubMed 16199547 (cited by Labcorp Genetics (formerly Invitae), Labcorp); PubMed 15489853 (cited by Labcorp Genetics (formerly Invitae), Labcorp); PubMed 23911551 (cited by Labcorp Genetics (formerly Invitae), Labcorp); PubMed 20400443 (cited by Labcorp Genetics (formerly Invitae), Labcorp); PubMed 26887364 (cited by Labcorp Genetics (formerly Invitae), Labcorp).